The following is an entry in ClinVar:

NM_000232.5(SGCB):c.72_73dup (p.Lys25fs)

Gene: SGCB (sarcoglycan beta; minus strand). Cytogenetic location: 4q12.
Variant type: Microsatellite.
Coding change: c.72_73dup on transcript NM_000232.5 (MANE Select); coding-DNA positions 72 to 73, 2 bases duplicated (GA; older notation c.72_73dupGA).
Protein change: p.Lys25fs; shifts the reading frame from lysine 25.
Molecular consequence: frameshift variant. On other transcripts: 5 prime UTR variant (1), intron variant (1).
Genome position (GRCh38, 1-based): chr4:52,033,601-52,033,602, TC duplicated on the plus strand (GA on the coding strand, the reverse complement: SGCB is on the minus strand); duplicating any 2 consecutive bases within chr4:52,033,601-52,033,604 gives the same sequence; the c. name uses the placement nearest the transcript's 3' end. VCF-style (leftmost placement, unchanged base first): chr4-52033600-T-TTC. GRCh37 (hg19) VCF-style: chr4-52899766-T-TTC.
Other names: c.-338GA[3] (NM_001440520.1); c.34-3741GA[3] (NM_001440519.1); short protein forms K25fs.
Identifiers: ClinVar variation 4735941 (VCV004735941.1).

ClinVar aggregate classification (germline): Pathogenic (1 of 4 stars; one submission).

Conditions:
Autosomal recessive limb-girdle muscular dystrophy type 2E (LGMDR4). Also called: MUSCULAR DYSTROPHY, LIMB-GIRDLE, AUTOSOMAL RECESSIVE 4. Identifiers: Orphanet 119, MedGen C1858593, MONDO:0011423, OMIM 604286. Disease mechanism: Affects gamma-sarcoglycan and also disrupts the integrity of the entire sarcoglycan complex..

Submission:

Labcorp Genetics (formerly Invitae), Labcorp
Classification: Pathogenic for Autosomal recessive limb-girdle muscular dystrophy type 2E. Last evaluated: 2026-01-21. Review status: criteria provided, single submitter. Criteria: Invitae Variant Classification Sherloc (09022015). Collection method: clinical testing. Allele origin: germline.
Comment: This sequence change creates a premature translational stop signal (p.Lys25Argfs*34) in the SGCB gene. It is expected to result in an absent or disrupted protein product. Loss-of-function variants in SGCB are known to be pathogenic (PMID: 15938573, 18285821). This variant is not present in population databases (gnomAD no frequency). This variant has not been reported in the literature in individuals affected with SGCB-related conditions. For these reasons, this variant has been classified as Pathogenic.

Literature cited by the submitters: PubMed 15938573; PubMed 18285821.